The following is an entry in ClinVar:

NM_001165963.4(SCN1A):c.4214C>T (p.Thr1405Ile)

Genes: SCN1A (sodium voltage-gated channel alpha subunit 1; minus strand), LOC102724058 (uncharacterized LOC102724058; plus strand). Cytogenetic location: 2q24.3.
Variant type: single nucleotide variant.
Coding change: c.4214C>T on transcript NM_001165963.4 (MANE Select); coding-DNA position 4214, C replaced by T.
Protein change: p.Thr1405Ile; replaces threonine 1405 with isoleucine.
Molecular consequence: missense variant. On other transcripts: non-coding transcript variant (1).
Genome position (GRCh38, 1-based): chr2:166,002,542, G>A on the plus strand (C>T on the coding strand, the complement: SCN1A is on the minus strand). VCF-style: chr2-166002542-G-A. GRCh37 (hg19) VCF-style: chr2-166859052-G-A.
Other names: c.4130C>T, p.Thr1377Ile (NM_001165964.3, NM_001353957.2, NM_001353958.2); c.4214C>T, p.Thr1405Ile (NM_001202435.3, NM_001353948.2); c.4181C>T, p.Thr1394Ile (NM_001353949.2, NM_001353950.2, NM_001353951.2 and 2 more transcripts); c.4178C>T, p.Thr1393Ile (NM_001353954.2, NM_001353955.2); c.4127C>T, p.Thr1376Ile (NM_001353960.2); c.1772C>T, p.Thr591Ile (NM_001353961.2); short protein forms T1394I, T591I, T1393I, T1376I, T1377I, T1405I.
Identifiers: ClinVar variation 1463249 (VCV001463249.9), dbSNP rs2105508351, ClinGen allele CA349050024.
Genomic context (GRCh38, chr2:166,002,542, plus strand): 5'-AAAGAGAGATACCCAAATCCTACATTATCAAAGTTTACTTTCACATTTTTCCATCGAGCA[G>A]TCTCATTTCTTTCTATTAGTTTTAGGCAATCAGTATGATTATTCACGTCTTCGATGTCAA-3'
Protein context (NP_001159435.1, residues 1395-1415): DCLKLIERNE[Thr1405Ile]ARWKNVKVNF

ClinVar aggregate classification (germline): Uncertain significance (1 of 4 stars; one submission).

Conditions:
Early-infantile DEE. Also called: Early infantile epileptic encephalopathy; Ohtahara syndrome; Early infantile epileptic encephalopathy with suppression bursts. Identifiers: Orphanet 1934, MedGen C0393706, MONDO:0800491.

Submission:

Labcorp Genetics (formerly Invitae), Labcorp
Classification: Uncertain significance for Early-infantile DEE. Last evaluated: 2022-11-15. Review status: criteria provided, single submitter. Criteria: Invitae Variant Classification Sherloc (09022015). Collection method: clinical testing. Allele origin: germline.
Comment: In summary, the available evidence is currently insufficient to determine the role of this variant in disease. Therefore, it has been classified as a Variant of Uncertain Significance. Advanced modeling of protein sequence and biophysical properties (such as structural, functional, and spatial information, amino acid conservation, physicochemical variation, residue mobility, and thermodynamic stability) performed at Invitae indicates that this missense variant is not expected to disrupt SCN1A protein function. ClinVar contains an entry for this variant (Variation ID: 1463249). This variant has not been reported in the literature in individuals affected with SCN1A-related conditions. This variant is not present in population databases (gnomAD no frequency). This sequence change replaces threonine, which is neutral and polar, with isoleucine, which is neutral and non-polar, at codon 1405 of the SCN1A protein (p.Thr1405Ile).